The following is an entry in ClinVar:

ClinVar aggregate classification (germline): Pathogenic. Review status: no assertion criteria provided (0 of 4 stars). 2 submissions from 2 submitters: Pathogenic (2). Last evaluated 2024-03-21.

Conditions:
CASR-related disorder. Also called: CASR-related condition.
Autosomal dominant hypocalcemia 1 (HYPOC1). Also called: HYPOCALCEMIA, FAMILIAL. Identifiers: MedGen C3715128, MONDO:0011013, OMIM 601198.

Submissions (2):

PreventionGenetics, part of Exact Sciences
Classification: Pathogenic for CASR-related condition. Last evaluated: 2024-03-21. Review status: no assertion criteria provided. Collection method: clinical testing. Allele origin: germline.
Comment: The CASR c.382T>C variant is predicted to result in the amino acid substitution p.Phe128Leu. This variant has been reported to be causative for autosomal dominant hypocalcemia (ADH) due to a gain-of-function effect (Pearce et al. 1996. PubMed ID: 8878438; Huang and Breitwieser. 2007. PubMed ID: 17284438; Raue et al. 2011. PubMed ID: 21645025). In one of the studies, the variant segregated with disease in multiple members of a multigenerational family (Pearce et al. 1996. PubMed ID: 8878438). This variant has not been reported in a large population database, indicating this variant is rare. This variant is interpreted as pathogenic.

OMIM
Classification: Pathogenic for HYPOCALCEMIA, AUTOSOMAL DOMINANT 1. Last evaluated: 1996-10-10. Review status: no assertion criteria provided. Collection method: literature only. Allele origin: germline.

Literature cited by the submitters: PubMed 8813042 (cited by OMIM).

NM_000388.4(CASR):c.382T>C (p.Phe128Leu)

Gene: CASR (calcium sensing receptor; plus strand). Cytogenetic location: 3q21.1.
Variant type: single nucleotide variant.
Coding change: c.382T>C on transcript NM_000388.4 (MANE Select); coding-DNA position 382, T replaced by C.
Protein change: p.Phe128Leu; replaces phenylalanine 128 with leucine.
Molecular consequence: missense variant.
Genome position (GRCh38, 1-based): chr3:122,257,277, T>C. VCF-style: chr3-122257277-T-C. GRCh37 (hg19) VCF-style: chr3-121976124-T-C.
Other names: c.382T>C, p.Phe128Leu (NM_001178065.2); c.382T>C (NM_001178065.1); short protein forms F128L.
Identifiers: ClinVar variation 8325 (VCV000008325.2), dbSNP rs104893696, ClinGen allele CA119489.